The following is an entry in ClinVar:

ClinVar aggregate classification (germline): Conflicting classifications of pathogenicity. Review status: criteria provided, conflicting classifications (1 of 4 stars). 5 submissions from 5 submitters: Uncertain significance (4); Likely benign (1). Last evaluated 2025-01-23.

Conditions:
Inborn genetic diseases. Identifiers: MedGen C0950123, MeSH D030342.

Allele frequency attached by ClinVar (database versions not stated): ESP Exome Variant Server 0.00015.
gnomAD v4.1: 106 of 1,612,660 alleles (0.0066%); highest among the groups gnomAD compares: Non-Finnish European, 0.0085%; no homozygotes.

Submissions (5):

Ambry Genetics
Classification: Uncertain significance for Inborn genetic diseases. Last evaluated: 2025-01-23. Review status: criteria provided, single submitter. Criteria: Ambry Variant Classification Scheme 2023. Collection method: clinical testing. Allele origin: germline.

Blueprint Genetics
Classification: Uncertain significance. Last evaluated: 2023-07-19. Review status: criteria provided, single submitter. Criteria: ACMG Guidelines, 2015. Collection method: clinical testing. Allele origin: germline.

Labcorp Genetics (formerly Invitae), Labcorp
Classification: Uncertain significance. Last evaluated: 2022-08-02. Review status: criteria provided, single submitter. Criteria: Invitae Variant Classification Sherloc (09022015). Collection method: clinical testing. Allele origin: germline.
Comment: This sequence change replaces phenylalanine, which is neutral and non-polar, with isoleucine, which is neutral and non-polar, at codon 151 of the ESPN protein (p.Phe151Ile). This variant is present in population databases (rs139223525, gnomAD 0.006%). This variant has not been reported in the literature in individuals affected with ESPN-related conditions. ClinVar contains an entry for this variant (Variation ID: 1307338). Algorithms developed to predict the effect of missense changes on protein structure and function are either unavailable or do not agree on the potential impact of this missense change (SIFT: "Tolerated"; PolyPhen-2: "Possibly Damaging"; Align-GVGD: "Class C0"). In summary, the available evidence is currently insufficient to determine the role of this variant in disease. Therefore, it has been classified as a Variant of Uncertain Significance.

CeGaT Center for Human Genetics Tuebingen
Classification: Likely benign. Last evaluated: 2022-07-01. Review status: criteria provided, single submitter. Criteria: CeGaT Center For Human Genetics Tuebingen Variant Classification Criteria Version 2. Collection method: clinical testing. Allele origin: germline. Affected: yes. Observed: 1 variant allele.
Comment: ESPN: BP4

GeneDx
Classification: Uncertain significance. Last evaluated: 2019-07-22. Review status: criteria provided, single submitter. Criteria: GeneDx Variant Classification Process June 2021. Collection method: clinical testing. Allele origin: germline. Affected: yes.
Comment: In silico analysis, which includes protein predictors and evolutionary conservation, supports that this variant does not alter protein structure/function; Has not been previously published as pathogenic or benign to our knowledge

NM_031475.3(ESPN):c.451T>A (p.Phe151Ile)

Gene: ESPN (espin; plus strand). Cytogenetic location: 1p36.31.
Variant type: single nucleotide variant.
Coding change: c.451T>A on transcript NM_031475.3 (MANE Select); coding-DNA position 451, T replaced by A.
Protein change: p.Phe151Ile; replaces phenylalanine 151 with isoleucine.
Molecular consequence: missense variant.
Genome position (GRCh38, 1-based): chr1:6,428,382, T>A. VCF-style: chr1-6428382-T-A. GRCh37 (hg19) VCF-style: chr1-6488442-T-A.
Other names: c.451T>A, p.Phe151Ile (NM_001367473.1, NM_001367474.1); short protein forms F151I.
Identifiers: ClinVar variation 1307338 (VCV001307338.38), dbSNP rs139223525, ClinGen allele CA559895.